The following is an entry in ClinVar:

NM_001267550.2(TTN):c.6381C>G (p.Tyr2127Ter)

Gene: TTN (titin; minus strand). Cytogenetic location: 2q31.2.
Variant type: single nucleotide variant.
Coding change: c.6381C>G on transcript NM_001267550.2 (MANE Select); coding-DNA position 6381, C replaced by G.
Protein change: p.Tyr2127Ter; replaces tyrosine 2127 with a stop codon.
Molecular consequence: nonsense.
Genome position (GRCh38, 1-based): chr2:178,775,483, G>C on the plus strand (C>G on the coding strand, the complement: TTN is on the minus strand). VCF-style: chr2-178775483-G-C. GRCh37 (hg19) VCF-style: chr2-179640210-G-C.
Other names: c.6381C>G, p.Tyr2127Ter (NM_001256850.1, NM_133378.4, NM_133379.5); c.6243C>G, p.Tyr2081Ter (NM_003319.4, NM_133432.3, NM_133437.4); short protein forms Y2081*, Y2127*.
Identifiers: ClinVar variation 1015491 (VCV001015491.13), dbSNP rs2092121151, ClinGen allele CA349440148.

ClinVar aggregate classification (germline): Likely pathogenic. Review status: criteria provided, multiple submitters, no conflicts (2 of 4 stars). 2 submissions from 2 submitters: Likely pathogenic (2). Last evaluated 2025-09-07.

Conditions:
Cardiovascular phenotype. Identifiers: MedGen CN230736.
Dilated cardiomyopathy 1G (CMD1G). Identifiers: Orphanet 154, MedGen C1858763, MONDO:0011400, OMIM 604145.
Autosomal recessive limb-girdle muscular dystrophy type 2J (LGMDR10). Also called: Limb-girdle muscular dystrophy, type 2J; MUSCULAR DYSTROPHY, LIMB-GIRDLE, AUTOSOMAL RECESSIVE 10. Identifiers: Orphanet 140922, MedGen C1837342, MONDO:0012127, OMIM 608807.

Submissions (2):

Labcorp Genetics (formerly Invitae), Labcorp
Classification: Likely pathogenic for Dilated cardiomyopathy 1G; Autosomal recessive limb-girdle muscular dystrophy type 2J. Last evaluated: 2025-09-07. Review status: criteria provided, single submitter. Criteria: Invitae Variant Classification Sherloc (09022015). Collection method: clinical testing. Allele origin: germline.
Comment: This sequence change creates a premature translational stop signal (p.Tyr2127*) in the TTN gene. While this is not anticipated to result in nonsense mediated decay, it is expected to create a truncated TTN protein. This variant is not present in population databases (gnomAD no frequency). This premature translational stop signal has been observed in individual(s) with nonischemic cardiomyopathy (internal data). ClinVar contains an entry for this variant (Variation ID: 1015491). This variant is located in the Z band of TTN (PMID: 25589632). Truncating variants in this region have been reported in individuals affected with autosomal recessive centronuclear myopathy (PMID: 33449170, internal data). Truncating variants in this region have also been identified in individuals affected with autosomal dominant dilated cardiomyopathy and/or cardio-related conditions (PMID: 27869827, 32964742, internal data). In summary, the currently available evidence indicates that the variant is pathogenic, but additional data are needed to prove that conclusively. Therefore, this variant has been classified as Likely Pathogenic.

Ambry Genetics
Classification: Likely pathogenic for Cardiovascular phenotype. Last evaluated: 2025-03-04. Review status: criteria provided, single submitter. Criteria: Ambry Variant Classification Scheme 2023. Collection method: clinical testing. Allele origin: germline.
Comment: The p.Y2081* variant (also known as c.6243C>G), located in coding exon 26 of the TTN gene, results from a C to G substitution at nucleotide position 6243. This changes the amino acid from a tyrosine to a stop codon within coding exon 26. This exon is located in the near Z-disk/I-band region of the N2-B isoform of the titin protein and is constitutively expressed in TTN transcripts (percent spliced in or PSI 100%). This variant is considered to be rare based on population cohorts in the Genome Aggregation Database (gnomAD). This variant is expected to result in loss of function by premature protein truncation or nonsense-mediated mRNA decay. While truncating variants in TTN are present in 1-3% of the general population, truncating variants in the A-band are the most common cause of dilated cardiomyopathy (Herman DS et al. N. Engl. J. Med., 2012 Feb;366:619-28; Roberts AM et al. Sci Transl Med, 2015 Jan;7:270ra6). TTN truncating variants encoded in constitutive exons (PSI >90%) have been found to be significantly associated with DCM regardless of their position in titin (Schafer S et al. Nat. Genet., 2017 01;49:46-53; Akhtar MM et al. Circ Heart Fail, 2020 Oct;13:e006832; Massier M et al. Clin Genet, 2025 Jan). Based on the majority of available evidence to date, this variant is likely to be pathogenic.

Literature cited by the submitters: PubMed 25589632 (cited by Labcorp Genetics (formerly Invitae), Labcorp); PubMed 33449170 (cited by Labcorp Genetics (formerly Invitae), Labcorp); PubMed 27869827 (cited by Labcorp Genetics (formerly Invitae), Labcorp); PubMed 32964742 (cited by Labcorp Genetics (formerly Invitae), Labcorp).